The following is an entry in ClinVar:

NM_017617.5(NOTCH1):c.5332G>C (p.Ala1778Pro)

Gene: NOTCH1 (notch receptor 1; minus strand). Cytogenetic location: 9q34.3.
Variant type: single nucleotide variant.
Coding change: c.5332G>C on transcript NM_017617.5 (MANE Select); coding-DNA position 5332, G replaced by C.
Protein change: p.Ala1778Pro; replaces alanine 1778 with proline.
Molecular consequence: missense variant.
Genome position (GRCh38, 1-based): chr9:136,502,324, C>G on the plus strand (G>C on the coding strand, the complement: NOTCH1 is on the minus strand). VCF-style: chr9-136502324-C-G. GRCh37 (hg19) VCF-style: chr9-139396776-C-G.
Other names: short protein forms A1778P.
Identifiers: ClinVar variation 1421962 (VCV001421962.8), dbSNP rs986394043, ClinGen allele CA201641622.

ClinVar aggregate classification (germline): Uncertain significance (1 of 4 stars; one submission).

Conditions:
Adams-Oliver syndrome 5 (AOS5). Identifiers: Orphanet 974, MedGen C4014970, MONDO:0014459, OMIM 616028.

Allele frequency attached by ClinVar (database versions not stated): gnomAD exomes 0.00001.
gnomAD v4.1: 7 of 1,612,516 alleles (0.00043%); highest among the groups gnomAD compares: Non-Finnish European, 0.00059%; no homozygotes.

Submission:

Labcorp Genetics (formerly Invitae), Labcorp
Classification: Uncertain significance for Adams-Oliver syndrome 5. Last evaluated: 2025-12-15. Review status: criteria provided, single submitter. Criteria: Invitae Variant Classification Sherloc (09022015). Collection method: clinical testing. Allele origin: germline.
Comment: This sequence change replaces alanine, which is neutral and non-polar, with proline, which is neutral and non-polar, at codon 1778 of the NOTCH1 protein (p.Ala1778Pro). This variant is not present in population databases (gnomAD no frequency). This missense change has been observed in individual(s) with congenital heart defects (PMID: 25931334). ClinVar contains an entry for this variant (Variation ID: 1421962). Invitae Evidence Modeling of protein sequence and biophysical properties (such as structural, functional, and spatial information, amino acid conservation, physicochemical variation, residue mobility, and thermodynamic stability) indicates that this missense variant is not expected to disrupt NOTCH1 protein function with a negative predictive value of 80%. In summary, the available evidence is currently insufficient to determine the role of this variant in disease. Therefore, it has been classified as a Variant of Uncertain Significance.

Literature cited by the submitters: PubMed 25931334.